The following is an entry in ClinVar:

NM_018486.3(HDAC8):c.601C>T (p.His201Tyr)

Gene: HDAC8 (histone deacetylase 8; minus strand). Cytogenetic location: Xq13.1.
Variant type: single nucleotide variant.
Coding change: c.601C>T on transcript NM_018486.3 (MANE Select); coding-DNA position 601, C replaced by T.
Protein change: p.His201Tyr; replaces histidine 201 with tyrosine.
Molecular consequence: missense variant. On other transcripts: intron variant (1), non-coding transcript variant (1).
Genome position (GRCh38, 1-based): chrX:72,490,956, G>A on the plus strand (C>T on the coding strand, the complement: HDAC8 is on the minus strand). VCF-style: chrX-72490956-G-A. GRCh37 (hg19) VCF-style: chrX-71710806-G-A.
Other names: c.328C>T, p.His110Tyr (NM_001166418.2, NM_001410728.1); c.601C>T, p.His201Tyr (NM_001166419.2, NM_001410729.1, NM_001410725.1); c.278-1915C>T (NM_001166448.2); short protein forms H201Y, H110Y.
Identifiers: ClinVar variation 2136296 (VCV002136296.1), dbSNP rs2521126536, ClinGen allele CA413639461.

ClinVar aggregate classification (germline): Likely pathogenic (1 of 4 stars; one submission).

Submission:

GeneDx
Classification: Likely pathogenic. Last evaluated: 2023-01-17. Review status: criteria provided, single submitter. Criteria: GeneDx Variant Classification Process June 2021. Collection method: clinical testing. Allele origin: germline. Affected: yes.
Comment: Not observed in large population cohorts (gnomAD); In silico analysis supports that this missense variant has a deleterious effect on protein structure/function; Has not been previously published as pathogenic or benign to our knowledge